The following is an entry in ClinVar:

NM_001378414.1(HDAC4):c.1749G>A (p.Pro583=)

Gene: HDAC4 (histone deacetylase 4; minus strand). Cytogenetic location: 2q37.3.
Variant type: single nucleotide variant.
Coding change: c.1749G>A on transcript NM_001378414.1 (MANE Select); coding-DNA position 1749, G replaced by A.
Protein change: p.Pro583=; no amino-acid change (proline 583 retained).
Molecular consequence: synonymous variant.
Genome position (GRCh38, 1-based): chr2:239,115,095, C>T on the plus strand (G>A on the coding strand, the complement: HDAC4 is on the minus strand). VCF-style: chr2-239115095-C-T. GRCh37 (hg19) VCF-style: chr2-240036791-C-T.
Other names: c.1749G>A, p.Pro583= (NM_001378415.1); c.1734G>A, p.Pro578= (NM_001378416.1, NM_001378417.1, NM_001435996.1 and 1 more transcripts); c.1668G>A, p.Pro556= (NM_001435991.1, NM_001435992.1, NM_001435994.1); c.1590G>A, p.Pro530= (NM_001435993.1); c.1653G>A, p.Pro551= (NM_001435998.1).
Identifiers: ClinVar variation 4533631 (VCV004533631.6).
Genomic context (GRCh38, chr2:239,115,095, plus strand): 5'-CTCCCCGCCTGCGGTCACCTGTCTGAAGAGCAGCTCCTGCTCACTGGGCTGGCGCTGGCC[C>T]GGCTCCACCTCCCGTGGGGGCTCTGCCTCTTCCTCATCGCTCTCAATGGGCTCCTGCTTC-3'
Protein context (NP_001365343.1, residues 573-593): EEAEPPREVE[Pro583=]GQRQPSEQEL

ClinVar aggregate classification (germline): Likely benign (1 of 4 stars; one submission).

gnomAD v4.1: 25 of 1,611,476 alleles (0.0016%); highest among the groups gnomAD compares: East Asian, 0.022%; no homozygotes.

Submission:

CeGaT Center for Human Genetics Tuebingen
Classification: Likely benign. Last evaluated: 2025-10-01. Review status: criteria provided, single submitter. Criteria: CeGaT Center For Human Genetics Tuebingen Variant Classification Criteria Version 2. Collection method: clinical testing. Allele origin: germline. Affected: yes. Observed: 1 variant allele.
Comment: HDAC4: BP4, BP7